The following is an entry in ClinVar:

ClinVar aggregate classification (germline): Pathogenic (1 of 4 stars; one submission).

Conditions:
Telangiectasia, hereditary hemorrhagic, type 2 (HHT2). Also called: Telangiectasia, hereditary hemorrhagic, type II; ACVRL1-Related Hereditary Hemorrhagic Telangiectasia. Identifiers: Orphanet 774, MedGen C1838163, MONDO:0010880, OMIM 600376. Disease mechanism: loss of function.

Submission:

Labcorp Genetics (formerly Invitae), Labcorp
Classification: Pathogenic for Telangiectasia, hereditary hemorrhagic, type 2. Last evaluated: 2019-06-23. Review status: criteria provided, single submitter. Criteria: Invitae Variant Classification Sherloc (09022015). Collection method: clinical testing. Allele origin: germline.
Comment: For these reasons, this variant has been classified as Pathogenic. Loss-of-function variants in ACVRL1 are known to be pathogenic (PMID: 15879500). Algorithms developed to predict the effect of sequence changes on RNA splicing suggest that this variant may create or strengthen a splice site, but this prediction has not been confirmed by published transcriptional studies. This variant has not been reported in the literature in individuals with ACVRL1-related conditions. This variant is not present in population databases (ExAC no frequency). This sequence change creates a premature translational stop signal (p.Glu75*) in the ACVRL1 gene. It is expected to result in an absent or disrupted protein product.

Literature cited by the submitters: PubMed 15879500.

NM_000020.3(ACVRL1):c.223G>T (p.Glu75Ter)

Gene: ACVRL1 (activin A receptor like type 1; plus strand). Cytogenetic location: 12q13.13.
Variant type: single nucleotide variant.
Coding change: c.223G>T on transcript NM_000020.3 (MANE Select); coding-DNA position 223, G replaced by T.
Protein change: p.Glu75Ter; replaces glutamic acid 75 with a stop codon.
Molecular consequence: nonsense.
Genome position (GRCh38, 1-based): chr12:51,913,260, G>T. VCF-style: chr12-51913260-G-T. GRCh37 (hg19) VCF-style: chr12-52307044-G-T.
Other names: c.223G>T, p.Glu75Ter (NM_001077401.2); short protein forms E75*.
Identifiers: ClinVar variation 933484 (VCV000933484.7), dbSNP rs750720985, ClinGen allele CA384897939.
Genomic context (GRCh38, chr12:51,913,260, plus strand): 5'-CTGGTGCGGGAGGAGGGGAGGCACCCCCAGGAACATCGGGGCTGCGGGAACTTGCACAGG[G>T]AGCTCTGCAGGGGGCGCCCCACCGAGTTCGTCAACCACTACTGCTGCGACAGCCACCTCT-3'